The following is an entry in ClinVar:

ClinVar aggregate classification (germline): Uncertain significance (1 of 4 stars; one submission).

Submission:

Center for Pediatric Genomic Medicine, Children's Mercy Hospital and Clinics
Classification: Uncertain significance. Last evaluated: 2016-12-02. Review status: criteria provided, single submitter. Criteria: ACMG Guidelines, 2015. Collection method: clinical testing. Allele origin: de novo.
ClinVar note: Converted during submission from Uncertain Significance to Uncertain significance.

NM_013245.3(VPS4A):c.719_722del (p.Glu240fs)

Gene: VPS4A (vacuolar protein sorting 4 homolog A; plus strand). Cytogenetic location: 16q22.1.
Variant type: Deletion.
Coding change: c.719_722del on transcript NM_013245.3 (MANE Select); coding-DNA positions 719 to 722, 4 bases deleted (AGAG; older notation c.719_722delAGAG).
Protein change: p.Glu240fs; shifts the reading frame from glutamic acid 240.
Molecular consequence: frameshift variant.
Genome position (GRCh38, 1-based): chr16:69,320,239-69,320,242, AGAG deleted; deleting any 4 consecutive bases within chr16:69,320,238-69,320,242 gives the same sequence; the c. name uses the placement nearest the transcript's 3' end. VCF-style (leftmost placement, unchanged base first): chr16-69320237-TGAGA-T. GRCh37 (hg19) VCF-style: chr16-69354140-TGAGA-T.
Other names: short protein forms E240fs.
Identifiers: ClinVar variation 377332 (VCV000377332.3), dbSNP rs1057520199, ClinGen allele CA16603345.
Genomic context (GRCh38, chr16:69,320,237, plus strand): 5'-CAAGCCCTCCATCATCTTCATCGATGAGGTGGATTCCCTCTGCGGGTCCCGAAATGAAAA[TGAGA>T]GTGAGGCCGCCCGGAGGATCAAAACGGAGTTCTTGGTCCAGATGCAGGGTGTGTGCCGGG-3'